The following is an entry in ClinVar:

NC_000009.12:g.35658022_35658035dup

Gene: RMRP (RNA component of mitochondrial RNA processing endoribonuclease; minus strand). Cytogenetic location: 9p13.3.
Variant type: Duplication.
Genome position: GRCh38 VCF-style: chr9-35658021-G-GTCCTCAGCTTCACA. GRCh37 (hg19) VCF-style: chr9-35658018-G-GTCCTCAGCTTCACA.
Identifiers: ClinVar variation 966502 (VCV000966502.31), dbSNP rs1823636018, ClinGen allele CA1139660928.
Genomic context (GRCh38, chr9:35,658,021, plus strand): 5'-AAGGGGAGGAACAGAGTCCTCAGTGTGTAGCCTAGGATACAGGCCTTCAGCACGAACCAC[G>GTCCTCAGCTTCACA]TCCTCAGCTTCACAGAGTAGTATTTTATAGCCCTAAAGAAATTGTGTTTTATGATTAGGG-3'

ClinVar aggregate classification (germline): Likely pathogenic (1 of 4 stars; one submission).

Conditions:
Anauxetic dysplasia. Identifiers: Orphanet 93347, MedGen C1846796, MONDO:0011773.

Submission:

Labcorp Genetics (formerly Invitae), Labcorp
Classification: Likely pathogenic for Anauxetic dysplasia. Last evaluated: 2019-12-28. Review status: criteria provided, single submitter. Criteria: Invitae Variant Classification Sherloc (09022015). Collection method: clinical testing. Allele origin: germline.
Comment: In summary, the currently available evidence indicates that the variant is pathogenic, but additional data are needed to prove that conclusively. Therefore, this variant has been classified as Likely Pathogenic. While functional studies for this variant have not been reported, experimental analyses using patient derived cells, as well as in vitro transfection studies, have shown that promoter insertions result in silencing of RMRP transcription and reduced expression of the gene product (PMID: 11207361, 16254002). This variant is located in the promoter region between the TATA box and the transcription initiation site, and other similar insertions and duplications immediately upstream of the coding sequence have been reported in individuals affected with cartilage-hair hypoplasia (PMID: 16838329, 11207361, 15780958, 18804272). The frequency data for this variant in the population databases is considered unreliable, as metrics indicate insufficient coverage at this position in the ExAC database. This variant occurs in the RMRP gene, which encodes an RNA molecule that does not result in a protein product.

Literature cited by the submitters: PubMed 11207361; PubMed 16254002; PubMed 16838329; PubMed 15780958; PubMed 18804272.